The following is an entry in ClinVar:

ClinVar aggregate classification (germline): Uncertain significance (1 of 4 stars; one submission).

Conditions:
Wilms tumor 1 (WT1). Also called: Wilms tumor, somatic. Identifiers: Orphanet 654, MedGen CN033288, MONDO:0008679, OMIM 194070.

Submission:

Labcorp Genetics (formerly Invitae), Labcorp
Classification: Uncertain significance for Wilms tumor 1. Last evaluated: 2022-02-02. Review status: criteria provided, single submitter. Criteria: Invitae Variant Classification Sherloc (09022015). Collection method: clinical testing. Allele origin: germline.
Comment: In summary, the available evidence is currently insufficient to determine the role of this variant in disease. Therefore, it has been classified as a Variant of Uncertain Significance. Algorithms developed to predict the effect of missense changes on protein structure and function are either unavailable or do not agree on the potential impact of this missense change (SIFT: "Tolerated"; PolyPhen-2: "Probably Damaging"; Align-GVGD: "Class C0"). This variant has not been reported in the literature in individuals affected with GPC3-related conditions. This variant is not present in population databases (gnomAD no frequency). This sequence change replaces arginine, which is basic and polar, with threonine, which is neutral and polar, at codon 202 of the GPC3 protein (p.Arg202Thr).

NM_004484.4(GPC3):c.605G>C (p.Arg202Thr)

Gene: GPC3 (glypican 3; minus strand). Cytogenetic location: Xq26.2.
Variant type: single nucleotide variant.
Coding change: c.605G>C on transcript NM_004484.4 (MANE Select); coding-DNA position 605, G replaced by C.
Protein change: p.Arg202Thr; replaces arginine 202 with threonine.
Molecular consequence: missense variant.
Genome position (GRCh38, 1-based): chrX:133,753,909, C>G on the plus strand (G>C on the coding strand, the complement: GPC3 is on the minus strand). VCF-style: chrX-133753909-C-G. GRCh37 (hg19) VCF-style: chrX-132887936-C-G.
Other names: c.605G>C, p.Arg202Thr (NM_001164617.2); c.557G>C, p.Arg186Thr (NM_001164618.2); c.443G>C, p.Arg148Thr (NM_001164619.2); short protein forms R148T, R186T, R202T.
Identifiers: ClinVar variation 1936124 (VCV001936124.5), dbSNP rs2521356591, ClinGen allele CA414706260.